The following is an entry in ClinVar:

ClinVar aggregate classification (germline): Uncertain significance. Review status: criteria provided, multiple submitters, no conflicts (2 of 4 stars). 3 submissions from 3 submitters: Uncertain significance (3). Last evaluated 2025-03-01.

Conditions:
Cerebellar dysfunction with variable cognitive and behavioral abnormalities (CECBA). Also called: Nonprogressive cerebellar atxia with intellectual disability. Identifiers: Orphanet 314647, MedGen C3553661, MONDO:0013886, OMIM 614756.
Inborn genetic diseases. Identifiers: MedGen C0950123, MeSH D030342.

Allele frequency attached by ClinVar (database versions not stated): gnomAD exomes 0.00001 and 0.00002; ExAC 0.00002; gnomAD 0.00002 and 0.00003; TOPMed 0.00002; 1000 Genomes Project 30x 0.00016; 1000 Genomes Project 0.00020.
gnomAD v4.1: 30 of 1,612,932 alleles (0.0019%); highest among the groups gnomAD compares: Admixed American, 0.0033%; no homozygotes.

Submissions (3):

Ambry Genetics
Classification: Uncertain significance for Inborn genetic diseases. Last evaluated: 2025-03-01. Review status: criteria provided, single submitter. Criteria: Ambry Variant Classification Scheme 2023. Collection method: clinical testing. Allele origin: germline.

Labcorp Genetics (formerly Invitae), Labcorp
Classification: Uncertain significance. Last evaluated: 2022-06-13. Review status: criteria provided, single submitter. Criteria: Invitae Variant Classification Sherloc (09022015). Collection method: clinical testing. Allele origin: germline.
Comment: In summary, the available evidence is currently insufficient to determine the role of this variant in disease. Therefore, it has been classified as a Variant of Uncertain Significance. Algorithms developed to predict the effect of missense changes on protein structure and function are either unavailable or do not agree on the potential impact of this missense change (SIFT: "Deleterious"; PolyPhen-2: "Probably Damaging"; Align-GVGD: "Class C0"). This variant has not been reported in the literature in individuals affected with CAMTA1-related conditions. This variant is present in population databases (rs200732212, gnomAD 0.006%). This sequence change replaces glutamic acid, which is acidic and polar, with lysine, which is basic and polar, at codon 540 of the CAMTA1 protein (p.Glu540Lys).

New York Genome Center
Classification: Uncertain significance for Cerebellar dysfunction with variable cognitive and behavioral abnormalities. Last evaluated: 2021-06-14. Review status: criteria provided, single submitter. Criteria: NYGC Assertion Criteria 2020. Collection method: clinical testing. Allele origin: inherited. Observed: 1 heterozygote. Study: CSER-NYCKidSeq.

NM_015215.4(CAMTA1):c.1618G>A (p.Glu540Lys)

Gene: CAMTA1 (calmodulin binding transcription activator 1; plus strand). Cytogenetic location: 1p36.23.
Variant type: single nucleotide variant.
Coding change: c.1618G>A on transcript NM_015215.4 (MANE Select); coding-DNA position 1618, G replaced by A.
Protein change: p.Glu540Lys; replaces glutamic acid 540 with lysine.
Molecular consequence: missense variant.
Genome position (GRCh38, 1-based): chr1:7,664,165, G>A. VCF-style: chr1-7664165-G-A. GRCh37 (hg19) VCF-style: chr1-7724225-G-A.
Other names: c.1618G>A (NM_015215.2); c.1528G>A, p.Glu510Lys (NM_001349608.2, NM_001349612.2); c.1618G>A, p.Glu540Lys (NM_001349609.2, NM_001349610.2); short protein forms E510K, E540K.
Identifiers: ClinVar variation 1679694 (VCV001679694.7), dbSNP rs200732212, ClinGen allele CA566476.